The following is an entry in ClinVar:

NM_000051.4(ATM):c.4426A>G (p.Ile1476Val)

Gene: ATM (ATM serine/threonine kinase; plus strand). Cytogenetic location: 11q22.3.
Variant type: single nucleotide variant.
Coding change: c.4426A>G on transcript NM_000051.4 (MANE Select); coding-DNA position 4426, A replaced by G.
Protein change: p.Ile1476Val; replaces isoleucine 1476 with valine.
Molecular consequence: missense variant.
Genome position (GRCh38, 1-based): chr11:108,289,791, A>G. VCF-style: chr11-108289791-A-G. GRCh37 (hg19) VCF-style: chr11-108160518-A-G.
Other names: p.Ile1476Val; c.4426A>G, p.Ile1476Val (NM_001351834.2); short protein forms I1476V.
Identifiers: ClinVar variation 633052 (VCV000633052.4), dbSNP rs1565457035, ClinGen allele CA382532274.
Genomic context (GRCh38, chr11:108,289,791, plus strand): 5'-GGCTTAGGAGGAGCTTGGGCCTTTGTTCTTCGAGACGTTATTTATACTTTGATTCACTAT[A>G]TCAACCAAAGGTAAATAACATATTTAGACCAATATATAAGCAGTCTTTCTATCCTGTTCT-3'
Protein context (NP_000042.3, residues 1466-1486): RDVIYTLIHY[Ile1476Val]NQRPSCIMDV

ClinVar aggregate classification (germline): Uncertain significance. Review status: criteria provided, multiple submitters, no conflicts (2 of 4 stars). 4 submissions from 4 submitters: Uncertain significance (4). Last evaluated 2024-03-22.

Conditions:
Hereditary cancer-predisposing syndrome. Also called: Hereditary Cancer Syndrome; Neoplastic Syndromes, Hereditary; Tumor predisposition; Hereditary neoplastic syndrome. Identifiers: Orphanet 140162, MedGen C0027672, MeSH D009386, MONDO:0015356.
Ataxia-telangiectasia syndrome (AT). Also called: Ataxia-telangiectasia, complementation group D; AT, COMPLEMENTATION GROUP C; Ataxia-telangiectasia; ATAXIA-TELANGIECTASIA, COMPLEMENTATION GROUP A; ATAXIA-TELANGIECTASIA, FRESNO VARIANT; LOUIS-BAR SYNDROME. Identifiers: Orphanet 100, MedGen C0004135, MONDO:0008840, OMIM 208900.

Allele frequency attached by ClinVar (database versions not stated): gnomAD exomes below 0.00001.
gnomAD v4.1: 2 of 1,612,664 alleles (0.00012%); highest among the groups gnomAD compares: Non-Finnish European, 0.00017%; no homozygotes.

Submissions (4):

Ambry Genetics
Classification: Uncertain significance for Hereditary cancer-predisposing syndrome. Last evaluated: 2024-03-22. Review status: criteria provided, single submitter. Criteria: Ambry Variant Classification Scheme 2023. Collection method: clinical testing. Allele origin: germline.
Comment: The p.I1476V variant (also known as c.4426A>G), located in coding exon 28 of the ATM gene, results from an A to G substitution at nucleotide position 4426. The isoleucine at codon 1476 is replaced by valine, an amino acid with highly similar properties. This variant was identified in 1/13087 breast cancer cases and 0/5488 control individuals in the UK (Decker B et al. J Med Genet, 2017 Nov;54:732-741). This amino acid position is well conserved in available vertebrate species. In addition, this alteration is predicted to be tolerated by in silico analysis. Based on the available evidence, the clinical significance of this alteration remains unclear.

Labcorp Genetics (formerly Invitae), Labcorp
Classification: Uncertain significance for Ataxia-telangiectasia syndrome. Last evaluated: 2023-08-23. Review status: criteria provided, single submitter. Criteria: Invitae Variant Classification Sherloc (09022015). Collection method: clinical testing. Allele origin: germline.
Comment: In summary, the available evidence is currently insufficient to determine the role of this variant in disease. Therefore, it has been classified as a Variant of Uncertain Significance. An algorithm developed to predict the effect of missense changes on protein structure and function (PolyPhen-2) suggests that this variant¬†is likely to be tolerated. ClinVar contains an entry for this variant (Variation ID: 633052). This missense change has been observed in individual(s) with breast cancer (PMID: 28779002). This variant is not present in population databases (gnomAD no frequency). This sequence change replaces isoleucine, which is neutral and non-polar, with valine, which is neutral and non-polar, at codon 1476 of the ATM protein (p.Ile1476Val).

Mayo Clinic Laboratories, Mayo Clinic
Classification: Uncertain significance. Last evaluated: 2023-05-12. Review status: criteria provided, single submitter. Criteria: ACMG Guidelines, 2015. Collection method: clinical testing. Allele origin: germline. Observed: 1 variant allele.
Comment: BP4, PM2

Women's Health and Genetics/Laboratory Corporation of America, LabCorp
Classification: Uncertain significance. Last evaluated: 2017-11-20. Review status: criteria provided, single submitter. Criteria: LabCorp Variant Classification Summary - May 2015. Collection method: clinical testing. Allele origin: germline.
Comment: Variant summary: The ATM c.4426A>G (p.Ile1476Val) variant involves the alteration of a conserved nucleotide. 2/4 in silico tools predict a benign outcome for this variant (SNPsandGO not captured due to low reliability index). This variant is absent in 276060 control chromosomes. The variant of interest has not, to our knowledge, been reported in affected individuals via publications and/or reputable databases/clinical diagnostic laboratories; nor evaluated for functional impact by in vivo/vitro studies. Because of the absence of clinical information and the lack of functional studies, the variant is classified as a variant of uncertain significance (VUS) until additional information becomes available.

Literature cited by the submitters: PubMed 28779002 (cited by 3 submitters).